The following is an entry in ClinVar:

NM_000552.5(VWF):c.2586G>T (p.Val862=)

Gene: VWF (von Willebrand factor; minus strand). Cytogenetic location: 12p13.31.
Variant type: single nucleotide variant.
Coding change: c.2586G>T on transcript NM_000552.5 (MANE Select); coding-DNA position 2586, G replaced by T.
Protein change: p.Val862=; no amino-acid change (valine 862 retained).
Molecular consequence: synonymous variant.
Genome position (GRCh38, 1-based): chr12:6,034,787, C>A on the plus strand (G>T on the coding strand, the complement: VWF is on the minus strand). VCF-style: chr12-6034787-C-A. GRCh37 (hg19) VCF-style: chr12-6143953-C-A.
Other names: p.Val862=; c.2586G>T (NM_000552.4).
Identifiers: ClinVar variation 439329 (VCV000439329.47), dbSNP rs34510401, ClinGen allele CA6403016.

ClinVar aggregate classification (germline): Likely benign. Review status: criteria provided, multiple submitters, no conflicts (2 of 4 stars). 6 submissions from 6 submitters: Likely benign (5). 1 of the submissions does not count toward it. Last evaluated 2026-09-01.

Conditions:
VWF-related disorder. Also called: VWF-related condition; VWF-related disorders.

Allele frequency attached by ClinVar (database versions not stated): ESP Exome Variant Server 0.00054; TOPMed 0.00101; gnomAD 0.00109 and 0.00126; 1000 Genomes Project 30x 0.00125; 1000 Genomes Project 0.00160.
gnomAD v4.1: 2,130 of 1,614,248 alleles (0.13%); highest among the groups gnomAD compares: Middle Eastern, 0.71%; 18 homozygotes.

Submissions (6):

CeGaT Center for Human Genetics Tuebingen
Classification: Likely benign. Last evaluated: 2026-09-01. Review status: criteria provided, single submitter. Criteria: CeGaT Center For Human Genetics Tuebingen Variant Classification Criteria Version 2. Collection method: clinical testing. Allele origin: germline. Affected: yes. Observed: 6 variant alleles.
Comment: VWF: BP4, BP7

ARUP Laboratories, Molecular Genetics and Genomics, ARUP Laboratories
Classification: Likely benign. Last evaluated: 2025-06-02. Review status: criteria provided, single submitter. Criteria: ARUP Molecular Germline Variant Investigation Process 2024. Collection method: clinical testing. Allele origin: germline.

Mayo Clinic Laboratories, Mayo Clinic
Classification: Likely benign. Last evaluated: 2024-06-05. Review status: criteria provided, single submitter. Criteria: ACMG Guidelines, 2015. Collection method: clinical testing. Allele origin: germline. Observed: 3 variant alleles.
Comment: BP4, BP7

Quest Diagnostics Nichols Institute San Juan Capistrano
Classification: Likely benign. Last evaluated: 2023-02-06. Review status: criteria provided, single submitter. Criteria: Quest Diagnostics criteria. Collection method: clinical testing. Allele origin: unknown.

Genetic Services Laboratory, University of Chicago
Classification: Likely benign. Last evaluated: 2020-04-22. Review status: criteria provided, single submitter. Criteria: ACMG Guidelines, 2015. Collection method: clinical testing. Allele origin: germline. Affected: no.

PreventionGenetics, part of Exact Sciences
Classification: Likely benign for VWF-related condition. Last evaluated: 2020-02-06. Review status: no assertion criteria provided. Collection method: clinical testing. Allele origin: germline. Not counted in ClinVar's aggregate classification.
Comment: This variant is classified as likely benign based on ACMG/AMP sequence variant interpretation guidelines (Richards et al. 2015 PMID: 25741868, with internal and published modifications).

Literature cited by the submitters: PubMed 23648131 (cited by Quest Diagnostics Nichols Institute San Juan Capistrano); PubMed 28971901 (cited by Quest Diagnostics Nichols Institute San Juan Capistrano).